The following is an entry in ClinVar:

ClinVar aggregate classification (germline): Likely benign (1 of 4 stars; one submission).

Conditions:
Familial cancer of breast. Also called: hereditary breast carcinoma; Hereditary breast cancer; BREAST CANCER, FAMILIAL. Identifiers: Orphanet 227535, MedGen C0346153, MONDO:0016419, OMIM 114480. Disease mechanism: loss of function.

gnomAD v4.1: 1 of 1,599,228 alleles (0.000063%); highest among the groups gnomAD compares: African/African-American, 0.0013%; no homozygotes.

Submission:

Myriad Genetics, Inc.
Classification: Likely benign for Familial cancer of breast. Last evaluated: 2024-07-19. Review status: criteria provided, single submitter. Criteria: Myriad Autosomal Dominant, Autosomal Recessive and X-Linked Classification Criteria (2023). Collection method: clinical testing. Allele origin: unknown.
Comment: This variant is considered likely benign. This variant is intronic and is not expected to impact mRNA splicing.

NM_000465.4(BARD1):c.365-13T>C

Gene: BARD1 (BRCA1 associated RING domain 1; minus strand). Cytogenetic location: 2q35.
Variant type: single nucleotide variant.
Coding change: c.365-13T>C on transcript NM_000465.4 (MANE Select); 13 bases into the intron before coding-DNA position 365, T replaced by C.
Molecular consequence: intron variant.
Genome position (GRCh38, 1-based): chr2:214,781,522, A>G on the plus strand (T>C on the coding strand, the complement: BARD1 is on the minus strand). VCF-style: chr2-214781522-A-G. GRCh37 (hg19) VCF-style: chr2-215646246-A-G.
Other names: c.158+27890T>C (NM_001282548.2); c.308-13T>C (NM_001282543.2); c.215+15539T>C (NM_001282545.2); c.364+10775T>C (NM_001282549.2).
Identifiers: ClinVar variation 3379041 (VCV003379041.1).